The following is an entry in ClinVar:

NM_018082.6(POLR3B):c.469A>G (p.Lys157Glu)

Gene: POLR3B (RNA polymerase III subunit B; plus strand). Cytogenetic location: 12q23.3.
Variant type: single nucleotide variant.
Coding change: c.469A>G on transcript NM_018082.6 (MANE Select); coding-DNA position 469, A replaced by G.
Protein change: p.Lys157Glu; replaces lysine 157 with glutamic acid.
Molecular consequence: missense variant.
Genome position (GRCh38, 1-based): chr12:106,376,423, A>G. VCF-style: chr12-106376423-A-G. GRCh37 (hg19) VCF-style: chr12-106770201-A-G.
Other names: c.295A>G, p.Lys99Glu (NM_001160708.2); c.469A>G (NM_018082.5); short protein forms K157E, K99E.
Identifiers: ClinVar variation 1968634 (VCV001968634.6), dbSNP rs369977235, ClinGen allele CA6761706.

ClinVar aggregate classification (germline): Uncertain significance. Review status: criteria provided, multiple submitters, no conflicts (2 of 4 stars). 2 submissions from 2 submitters: Uncertain significance (2). Last evaluated 2025-11-26.

Conditions:
Inborn genetic diseases. Identifiers: MedGen C0950123, MeSH D030342.

Allele frequency attached by ClinVar (database versions not stated): gnomAD exomes below 0.00001; ExAC 0.00001; gnomAD 0.00001; TOPMed 0.00003; ESP Exome Variant Server 0.00008.
gnomAD v4.1: 7 of 1,613,024 alleles (0.00043%); highest among the groups gnomAD compares: Admixed American, 0.0067%; no homozygotes.

Submissions (2):

Ambry Genetics
Classification: Uncertain significance for Inborn genetic diseases. Last evaluated: 2025-11-26. Review status: criteria provided, single submitter. Criteria: Ambry Variant Classification Scheme 2023. Collection method: clinical testing. Allele origin: germline.

Labcorp Genetics (formerly Invitae), Labcorp
Classification: Uncertain significance. Last evaluated: 2024-06-14. Review status: criteria provided, single submitter. Criteria: Invitae Variant Classification Sherloc (09022015). Collection method: clinical testing. Allele origin: germline.
Comment: This sequence change replaces lysine, which is basic and polar, with glutamic acid, which is acidic and polar, at codon 157 of the POLR3B protein (p.Lys157Glu). This variant is present in population databases (rs369977235, gnomAD 0.003%). This variant has not been reported in the literature in individuals affected with POLR3B-related conditions. ClinVar contains an entry for this variant (Variation ID: 1968634). Advanced modeling of protein sequence and biophysical properties (such as structural, functional, and spatial information, amino acid conservation, physicochemical variation, residue mobility, and thermodynamic stability) performed at Invitae indicates that this missense variant is not expected to disrupt POLR3B protein function with a negative predictive value of 80%. In summary, the available evidence is currently insufficient to determine the role of this variant in disease. Therefore, it has been classified as a Variant of Uncertain Significance.